The following is an entry in ClinVar:

NM_004655.4(AXIN2):c.2405+180C>T

Gene: AXIN2 (axin 2; minus strand). Cytogenetic location: 17q24.1.
Variant type: single nucleotide variant.
Coding change: c.2405+180C>T on transcript NM_004655.4 (MANE Select); 180 bases into the intron after coding-DNA position 2405, C replaced by T.
Molecular consequence: intron variant.
Genome position (GRCh38, 1-based): chr17:65,533,732, G>A on the plus strand (C>T on the coding strand, the complement: AXIN2 is on the minus strand). VCF-style: chr17-65533732-G-A. GRCh37 (hg19) VCF-style: chr17-63529850-G-A.
Other names: c.2210+180C>T (NM_001363813.1).
Identifiers: ClinVar variation 675640 (VCV000675640.1), dbSNP rs559720236, ClinGen allele CA293092968.

ClinVar aggregate classification (germline): Likely benign (1 of 4 stars; one submission).

Allele frequency attached by ClinVar (database versions not stated): 1000 Genomes Project 30x 0.00109; 1000 Genomes Project 0.00120; TOPMed 0.00127; gnomAD 0.00214 and 0.00234.
gnomAD v4.1: 341 of 152,302 alleles (0.22%); highest among the groups gnomAD compares: Non-Finnish European, 0.21%; 2 homozygotes.

Submission:

GeneDx
Classification: Likely benign. Last evaluated: 2018-06-16. Review status: criteria provided, single submitter. Criteria: GeneDx Variant Classification (06012015). Collection method: clinical testing. Allele origin: germline. Affected: yes.
Comment: This variant is considered likely benign or benign based on one or more of the following criteria: it is a conservative change, it occurs at a poorly conserved position in the protein, it is predicted to be benign by multiple in silico algorithms, and/or has population frequency not consistent with disease.